The following is an entry in ClinVar:

NM_020778.5(ALPK3):c.3584G>A (p.Gly1195Glu)

Gene: ALPK3 (alpha kinase 3; plus strand). Cytogenetic location: 15q25.3.
Variant type: single nucleotide variant.
Coding change: c.3584G>A on transcript NM_020778.5 (MANE Select); coding-DNA position 3584, G replaced by A.
Protein change: p.Gly1195Glu; replaces glycine 1195 with glutamic acid.
Molecular consequence: missense variant.
Genome position (GRCh38, 1-based): chr15:84,858,322, G>A. VCF-style: chr15-84858322-G-A. GRCh37 (hg19) VCF-style: chr15-85401553-G-A.
Other names: short protein forms G1195E.
Identifiers: ClinVar variation 1738570 (VCV001738570.6), dbSNP rs754782459, ClinGen allele CA7709670.
Genomic context (GRCh38, chr15:84,858,322, plus strand): 5'-CAGGAGACGGGGAGGCAACCACACCTGAAGAAAGGGAGAGCCCCACGGTTTCCCCCCGGG[G>A]GCCCAGGAAAAGCCTGGTGCCTGGGTCCCCAGGGACTCCAGGGCGGGAGAGACGCTCCCC-3'
Protein context (NP_065829.4, residues 1185-1205): ERESPTVSPR[Gly1195Glu]PRKSLVPGSP

ClinVar aggregate classification (germline): Uncertain significance. Review status: criteria provided, multiple submitters, no conflicts (2 of 4 stars). 2 submissions from 2 submitters: Uncertain significance (2). Last evaluated 2025-05-14.

Conditions:
Cardiovascular phenotype. Identifiers: MedGen CN230736.

Allele frequency attached by ClinVar (database versions not stated): gnomAD 0.00001; gnomAD exomes 0.00001; TOPMed 0.00001.
gnomAD v4.1: 8 of 1,562,592 alleles (0.00051%); highest among the groups gnomAD compares: South Asian, 0.0035%; no homozygotes.

Submissions (2):

Labcorp Genetics (formerly Invitae), Labcorp
Classification: Uncertain significance. Last evaluated: 2025-05-14. Review status: criteria provided, single submitter. Criteria: Invitae Variant Classification Sherloc (09022015). Collection method: clinical testing. Allele origin: germline.
Comment: This sequence change replaces glycine, which is neutral and non-polar, with glutamic acid, which is acidic and polar, at codon 1397 of the ALPK3 protein (p.Gly1397Glu). The frequency data for this variant in the population databases is considered unreliable, as metrics indicate poor data quality at this position in the gnomAD database. This variant has not been reported in the literature in individuals affected with ALPK3-related conditions. ClinVar contains an entry for this variant (Variation ID: 1738570). Invitae Evidence Modeling of protein sequence and biophysical properties (such as structural, functional, and spatial information, amino acid conservation, physicochemical variation, residue mobility, and thermodynamic stability) indicates that this missense variant is expected to disrupt ALPK3 protein function with a positive predictive value of 80%. In summary, the available evidence is currently insufficient to determine the role of this variant in disease. Therefore, it has been classified as a Variant of Uncertain Significance.

Ambry Genetics
Classification: Uncertain significance for Cardiovascular phenotype. Last evaluated: 2024-12-31. Review status: criteria provided, single submitter. Criteria: Ambry Variant Classification Scheme 2023. Collection method: clinical testing. Allele origin: germline.
Comment: The p.G1397E variant (also known as c.4190G>A), located in coding exon 6 of the ALPK3 gene, results from a G to A substitution at nucleotide position 4190. The glycine at codon 1397 is replaced by glutamic acid, an amino acid with similar properties. This amino acid position is not well conserved in available vertebrate species. In addition, the in silico prediction for this alteration is inconclusive. Based on the available evidence, the clinical significance of this variant remains unclear.